The following is an entry in ClinVar:

NM_001100913.3(PACS2):c.2190G>A (p.Ala730=)

Gene: PACS2 (phosphofurin acidic cluster sorting protein 2; plus strand). Cytogenetic location: 14q32.33.
Variant type: single nucleotide variant.
Coding change: c.2190G>A on transcript NM_001100913.3 (MANE Select); coding-DNA position 2190, G replaced by A.
Protein change: p.Ala730=; no amino-acid change (alanine 730 retained).
Molecular consequence: synonymous variant.
Genome position (GRCh38, 1-based): chr14:105,391,701, G>A. VCF-style: chr14-105391701-G-A. GRCh37 (hg19) VCF-style: chr14-105858038-G-A.
Other names: c.1920G>A, p.Ala640= (NM_001243127.3); c.2145G>A, p.Ala715= (NM_015197.4); c.2190G>A (NM_001100913.2).
Identifiers: ClinVar variation 1653856 (VCV001653856.35), dbSNP rs368303452, ClinGen allele CA7389191.
Genomic context (GRCh38, chr14:105,391,701, plus strand): 5'-CGACGCGGCCCCCTCGGGCTCTGGCACGCTCTCCTCCACCCCGCCGTCCGCATCTCCTGC[G>A]GCCAAGGAGGCCTCACCCACCCCGCCCTCCTCCCCGTCGGTGAGCGGAGGCCTGTCCTCC-3'
Protein context (NP_001094383.2, residues 720-740): LSSTPPSASP[Ala730=]AKEASPTPPS

ClinVar aggregate classification (germline): Benign/Likely benign. Review status: criteria provided, multiple submitters, no conflicts (2 of 4 stars). 4 submissions from 4 submitters: Benign (2); Likely benign (1). 1 of the submissions does not count toward it. Last evaluated 2026-02-01.

Conditions:
PACS2-related disorder. Also called: PACS2-related condition.

Allele frequency attached by ClinVar (database versions not stated): gnomAD exomes 0.00006; ESP Exome Variant Server 0.00008; ExAC 0.00010; 1000 Genomes Project 30x 0.00031; TOPMed 0.00032; gnomAD 0.00038 and 0.00039; 1000 Genomes Project 0.00040.
gnomAD v4.1: 131 of 1,604,180 alleles (0.0082%); highest among the groups gnomAD compares: African/African-American, 0.1%; 1 homozygote.

Submissions (5):

CeGaT Center for Human Genetics Tuebingen
Classification: Likely benign. Last evaluated: 2026-02-01. Review status: criteria provided, single submitter. Criteria: CeGaT Center For Human Genetics Tuebingen Variant Classification Criteria Version 2. Collection method: clinical testing. Allele origin: germline. Affected: yes. Observed: 2 variant alleles.
Comment: PACS2: BP4, BP7

Labcorp Genetics (formerly Invitae), Labcorp
Classification: Benign. Last evaluated: 2025-12-26. Review status: criteria provided, single submitter. Criteria: Invitae Variant Classification Sherloc (09022015). Collection method: clinical testing. Allele origin: germline.

Breakthrough Genomics
Classification: Benign. Review status: criteria provided, single submitter. Criteria: ACMG Guidelines, 2015. Collection method: not provided. Allele origin: germline. Inheritance: Autosomal dominant inheritance. Affected: yes.

PreventionGenetics, part of Exact Sciences
Classification: Likely benign for PACS2-related condition. Last evaluated: 2022-05-09. Review status: no assertion criteria provided. Collection method: clinical testing. Allele origin: germline. Not counted in ClinVar's aggregate classification.
Comment: This variant is classified as likely benign based on ACMG/AMP sequence variant interpretation guidelines (Richards et al. 2015 PMID: 25741868, with internal and published modifications).

Dr. Peter K. Rogan Lab, Western University
No classification provided (evidence only). Condition: Thyroid cancer, nonmedullary, 1. Review status: no classification provided. Collection method: in vitro. Allele origin: not applicable. Functional consequence: skipped exon. Not counted in ClinVar's aggregate classification.